The following is an entry in ClinVar:

ClinVar aggregate classification (germline): Likely benign (0 of 4 stars; one submission).

Conditions:
UNC13A-related disorder. Also called: UNC13A-related condition.

Allele frequency attached by ClinVar (database versions not stated): TOPMed 0.00015; 1000 Genomes Project 0.00020; 1000 Genomes Project 30x 0.00031.
gnomAD v4.1: 151 of 1,591,030 alleles (0.0095%); highest among the groups gnomAD compares: East Asian, 0.16%; no homozygotes.

Submission:

PreventionGenetics, part of Exact Sciences
Classification: Likely benign for UNC13A-related condition. Last evaluated: 2023-03-20. Review status: no assertion criteria provided. Collection method: clinical testing. Allele origin: germline.
Comment: This variant is classified as likely benign based on ACMG/AMP sequence variant interpretation guidelines (Richards et al. 2015 PMID: 25741868, with internal and published modifications).

NM_001080421.3(UNC13A):c.4380G>A (p.Ala1460=)

Gene: UNC13A (unc-13 homolog A; minus strand). Cytogenetic location: 19p13.11.
Variant type: single nucleotide variant.
Coding change: c.4380G>A on transcript NM_001080421.3 (MANE Select); coding-DNA position 4380, G replaced by A.
Protein change: p.Ala1460=; no amino-acid change (alanine 1460 retained).
Molecular consequence: synonymous variant.
Genome position (GRCh38, 1-based): chr19:17,618,451, C>T on the plus strand (G>A on the coding strand, the complement: UNC13A is on the minus strand). VCF-style: chr19-17618451-C-T. GRCh37 (hg19) VCF-style: chr19-17729260-C-T.
Other names: c.4368G>A, p.Ala1456= (NM_001387021.1); c.4365G>A, p.Ala1455= (NM_001387022.1); c.4299G>A, p.Ala1433= (NM_001387023.1).
Identifiers: ClinVar variation 3040019 (VCV003040019.2), dbSNP rs547114726, ClinGen allele CA9297687.